The following is an entry in ClinVar:

ClinVar aggregate classification (germline): Uncertain significance (1 of 4 stars; one submission).

Conditions:
Curry-Hall syndrome (WAD). Also called: WEYERS ACRODENTAL DYSOSTOSIS. Identifiers: Orphanet 952, MedGen C0457013, MONDO:0008673, OMIM 193530.
Ellis-van Creveld syndrome (EVC). Also called: EVC-Related Ellis-van Creveld Syndrome; EVC2-Related Ellis-van Creveld Syndrome; MESOECTODERMAL DYSPLASIA; Chondroectodermal dysplasia. Identifiers: Orphanet 289, MedGen C0013903, MONDO:0009162, OMIM 225500.

gnomAD v4.1: 2 of 1,614,234 alleles (0.00012%); highest among the groups gnomAD compares: Admixed American, 0.0033%; no homozygotes.

Submission:

Labcorp Genetics (formerly Invitae), Labcorp
Classification: Uncertain significance for Curry-Hall syndrome; Ellis-van Creveld syndrome. Last evaluated: 2024-04-05. Review status: criteria provided, single submitter. Criteria: Invitae Variant Classification Sherloc (09022015). Collection method: clinical testing. Allele origin: germline.
Comment: This sequence change replaces leucine, which is neutral and non-polar, with isoleucine, which is neutral and non-polar, at codon 920 of the EVC2 protein (p.Leu920Ile). This variant is present in population databases (no rsID available, gnomAD 0.003%). This variant has not been reported in the literature in individuals affected with EVC2-related conditions. Algorithms developed to predict the effect of missense changes on protein structure and function output the following: SIFT: "Not Available"; PolyPhen-2: "Probably Damaging"; Align-GVGD: "Not Available". The isoleucine amino acid residue is found in multiple mammalian species, which suggests that this missense change does not adversely affect protein function. In summary, the available evidence is currently insufficient to determine the role of this variant in disease. Therefore, it has been classified as a Variant of Uncertain Significance.

NM_147127.5(EVC2):c.2758C>A (p.Leu920Ile)

Gene: EVC2 (EvC ciliary complex subunit 2; minus strand). Cytogenetic location: 4p16.2.
Variant type: single nucleotide variant.
Coding change: c.2758C>A on transcript NM_147127.5 (MANE Select); coding-DNA position 2758, C replaced by A.
Protein change: p.Leu920Ile; replaces leucine 920 with isoleucine.
Molecular consequence: missense variant.
Genome position (GRCh38, 1-based): chr4:5,615,493, G>T on the plus strand (C>A on the coding strand, the complement: EVC2 is on the minus strand). VCF-style: chr4-5615493-G-T. GRCh37 (hg19) VCF-style: chr4-5617220-G-T.
Other names: c.2518C>A, p.Leu840Ile (NM_001166136.2); short protein forms L840I, L920I.
Identifiers: ClinVar variation 3762984 (VCV003762984.2).